The following is an entry in ClinVar:

NM_003221.4(TFAP2B):c.116G>C (p.Arg39Pro)

Gene: TFAP2B (transcription factor AP-2 beta; plus strand). Cytogenetic location: 6p12.3.
Variant type: single nucleotide variant.
Coding change: c.116G>C on transcript NM_003221.4 (MANE Select); coding-DNA position 116, G replaced by C.
Protein change: p.Arg39Pro; replaces arginine 39 with proline.
Molecular consequence: missense variant.
Genome position (GRCh38, 1-based): chr6:50,823,441, G>C. VCF-style: chr6-50823441-G-C. GRCh37 (hg19) VCF-style: chr6-50791154-G-C.
Other names: c.116G>C (NM_003221.3); short protein forms R39P.
Identifiers: ClinVar variation 1935893 (VCV001935893.6), dbSNP rs745934693, ClinGen allele CA364411772.
Genomic context (GRCh38, chr6:50,823,441, plus strand): 5'-CTTCCCCTTCCTCTCTCCGCTCCCAGGACCGGCACGATGGTGTCCCGAGCCACAGCTCGC[G>C]GCTCTCCCAGCTGGGCTCGGTGTCCCAAGGACCCTACTCGAGCGCCCCGCCGCTGTCCCA-3'
Protein context (NP_003212.2, residues 29-49): RHDGVPSHSS[Arg39Pro]LSQLGSVSQG

ClinVar aggregate classification (germline): Uncertain significance. Review status: criteria provided, multiple submitters, no conflicts (2 of 4 stars). 2 submissions from 2 submitters: Uncertain significance (2). Last evaluated 2026-07-02.

Conditions:
Inborn genetic diseases. Identifiers: MedGen C0950123, MeSH D030342.

gnomAD v4.1: 3 of 1,606,478 alleles (0.00019%); highest among the groups gnomAD compares: Non-Finnish European, 0.00025%; no homozygotes.

Submissions (2):

Ambry Genetics
Classification: Uncertain significance for Inborn genetic diseases. Last evaluated: 2026-07-02. Review status: criteria provided, single submitter. Criteria: Ambry Variant Classification Scheme 2023. Collection method: clinical testing. Allele origin: germline.

Labcorp Genetics (formerly Invitae), Labcorp
Classification: Uncertain significance. Last evaluated: 2022-10-26. Review status: criteria provided, single submitter. Criteria: Invitae Variant Classification Sherloc (09022015). Collection method: clinical testing. Allele origin: germline.
Comment: This sequence change replaces arginine, which is basic and polar, with proline, which is neutral and non-polar, at codon 39 of the TFAP2B protein (p.Arg39Pro). This variant is not present in population databases (gnomAD no frequency). This variant has not been reported in the literature in individuals affected with TFAP2B-related conditions. Advanced modeling of protein sequence and biophysical properties (such as structural, functional, and spatial information, amino acid conservation, physicochemical variation, residue mobility, and thermodynamic stability) performed at Invitae indicates that this missense variant is not expected to disrupt TFAP2B protein function. In summary, the available evidence is currently insufficient to determine the role of this variant in disease. Therefore, it has been classified as a Variant of Uncertain Significance.